The following is an entry in ClinVar:

NM_000017.4(ACADS):c.1086+2T>G

Gene: ACADS (acyl-CoA dehydrogenase short chain; plus strand). Cytogenetic location: 12q24.31.
Variant type: single nucleotide variant.
Coding change: c.1086+2T>G on transcript NM_000017.4 (MANE Select); the canonical splice donor site of the intron after coding-DNA position 1086, T replaced by G.
Molecular consequence: splice donor variant.
Genome position (GRCh38, 1-based): chr12:120,739,198, T>G. VCF-style: chr12-120739198-T-G. GRCh37 (hg19) VCF-style: chr12-121177001-T-G.
Other names: c.1074+2T>G (NM_001302554.2).
Identifiers: ClinVar variation 1948098 (VCV001948098.5), dbSNP rs2501201951, ClinGen allele CA386601748.
Genomic context (GRCh38, chr12:120,739,198, plus strand): 5'-AGGAGGCAGCCATGGCCAAGCTGGCCGCCTCGGAGGCCGCGACCGCCATCAGCCACCAGG[T>G]GAGTGTCCACAGTGAGCTCTGAGGGGGCCAGCTGCCCCTTCTCCAGCTTTCCCCACGCCG-3'

ClinVar aggregate classification (germline): Pathogenic (1 of 4 stars; one submission).

Conditions:
Deficiency of butyryl-CoA dehydrogenase (ACADSD). Also called: SCAD Deficiency; ACYL-CoA DEHYDROGENASE, SHORT-CHAIN, DEFICIENCY OF; SCAD DEFICIENCY, MILD; ACADS DEFICIENCY; Short-Chain Acyl-CoA Dehydrogenase Deficiency; SCADH DEFICIENCY. Identifiers: Orphanet 26792, MedGen C0342783, MONDO:0008722, OMIM 201470. Disease mechanism: May be benign.

Submission:

Labcorp Genetics (formerly Invitae), Labcorp
Classification: Pathogenic for Deficiency of butyryl-CoA dehydrogenase. Last evaluated: 2023-11-13. Review status: criteria provided, single submitter. Criteria: Invitae Variant Classification Sherloc (09022015). Collection method: clinical testing. Allele origin: germline.
Comment: This sequence change affects a donor splice site in intron 9 of the ACADS gene. While this variant is not anticipated to result in nonsense mediated decay, it likely alters RNA splicing and results in a disrupted protein product. This variant is not present in population databases (gnomAD no frequency). This variant has not been reported in the literature in individuals affected with ACADS-related conditions. ClinVar contains an entry for this variant (Variation ID: 1948098). Variants that disrupt the consensus splice site are a relatively common cause of aberrant splicing (PMID: 17576681, 9536098). Algorithms developed to predict the effect of sequence changes on RNA splicing suggest that this variant may disrupt the consensus splice site. This variant disrupts a region of the ACADS protein in which other variant(s) (p.Arg383Cys) have been determined to be pathogenic (PMID: 9499414, 14506246, 18523805, 30035407, 31813752). This suggests that this is a clinically significant region of the protein, and that variants that disrupt it are likely to be disease-causing. For these reasons, this variant has been classified as Pathogenic.

Literature cited by the submitters: PubMed 17576681; PubMed 9536098; PubMed 9499414; PubMed 14506246; PubMed 18523805; PubMed 30035407; PubMed 31813752.